The following is an entry in ClinVar:

NM_017633.3(TENT5A):c.87_88insCGCGACTTCGGCGGC (p.Gly29_Gly30insArgAspPheGlyGly)

Gene: TENT5A (terminal nucleotidyltransferase 5A; minus strand). Cytogenetic location: 6q14.1.
Variant type: Microsatellite.
Coding change: c.87_88insCGCGACTTCGGCGGC on transcript NM_017633.3 (MANE Select); coding-DNA positions 87 to 88, CGCGACTTCGGCGGC inserted.
Protein change: p.Gly29_Gly30insArgAspPheGlyGly.
Molecular consequence: inframe insertion.
Genome position: GRCh38 VCF-style: chr6-81752054-C-CGCCGCCGAAGTCGCG. GRCh37 (hg19) VCF-style: chr6-82461771-C-CGCCGCCGAAGTCGCG.
Identifiers: ClinVar variation 1680618 (VCV001680618.5), dbSNP rs772106805.

ClinVar aggregate classification (germline): Uncertain significance. Review status: criteria provided, multiple submitters, no conflicts (2 of 4 stars). 2 submissions from 2 submitters: Uncertain significance (2). Last evaluated 2022-09-12.

Submissions (2):

Labcorp Genetics (formerly Invitae), Labcorp
Classification: Uncertain significance. Last evaluated: 2022-09-12. Review status: criteria provided, single submitter. Criteria: Invitae Variant Classification Sherloc (09022015). Collection method: clinical testing. Allele origin: germline.
Comment: This variant, c.87_88insCGCGACTTCGGCGGC, results in the insertion of 5 amino acid(s) of the FAM46A protein (p.Gly29_Gly30insArgAspPheGlyGly), but otherwise preserves the integrity of the reading frame. The frequency data for this variant in the population databases is considered unreliable, as metrics indicate poor data quality at this position in the gnomAD database. This variant has not been reported in the literature in individuals affected with FAM46A-related conditions. Experimental studies and prediction algorithms are not available or were not evaluated, and the functional significance of this variant is currently unknown. In summary, the available evidence is currently insufficient to determine the role of this variant in disease. Therefore, it has been classified as a Variant of Uncertain Significance.

Blueprint Genetics
Classification: Uncertain significance. Last evaluated: 2022-01-10. Review status: criteria provided, single submitter. Criteria: ACMG Guidelines, 2015. Collection method: clinical testing. Allele origin: germline.